The following is an entry in ClinVar:

NM_001127511.3(APC):c.67G>A (p.Gly23Arg)

Gene: APC (APC regulator of Wnt signaling pathway; plus strand). Cytogenetic location: 5q22.2.
Variant type: single nucleotide variant.
Coding change: c.67G>A on transcript NM_001127511.3; coding-DNA position 67, G replaced by A.
Protein change: p.Gly23Arg; replaces glycine 23 with arginine.
Molecular consequence: missense variant. On other transcripts: 5 prime UTR variant (8), non-coding transcript variant (1), intron variant (5).
Genome position (GRCh38, 1-based): chr5:112,707,784, G>A. VCF-style: chr5-112707784-G-A. GRCh37 (hg19) VCF-style: chr5-112043481-G-A.
Other names: c.-117G>A (NM_001354895.2, NM_001407447.1, NM_001407452.1 and 3 more transcripts); c.67G>A, p.Gly23Arg (NM_001354897.2, NM_001354902.2, NM_001407446.1); c.-1152G>A (NM_001407470.1, NM_001407472.1); c.-19+135G>A (NM_001407448.1, NM_001407450.1, NM_001407457.1 and 1 more transcripts); c.-43+135G>A (NM_001407453.1); short protein forms G23R.
Identifiers: ClinVar variation 469795 (VCV000469795.12), dbSNP rs762748481, ClinGen allele CA124925142.
Genomic context (GRCh38, chr5:112,707,784, plus strand): 5'-GCCTCCCTGGGCTCGGGTCCGGTCGCCCCTTTGCCCGCTTCTGTACCACCCTCAGTTCTC[G>A]GGTCCTGGAGCACCGGCGGCAGCAGGAGCTGCGTCCGGCAGGAGACGAAGAGCCCGGGCG-3'

ClinVar aggregate classification (germline): Uncertain significance. Review status: criteria provided, multiple submitters, no conflicts (2 of 4 stars). 3 submissions from 3 submitters: Uncertain significance (3). Last evaluated 2026-10-01.

Conditions:
APC-related disorder. Also called: APC-related condition.
Familial adenomatous polyposis 1 (FAP1). Also called: FAMILIAL ADENOMATOUS POLYPOSIS 1, ATTENUATED; POLYPOSIS, ADENOMATOUS INTESTINAL. Identifiers: MedGen C2713442, MONDO:0021056, OMIM 175100. Disease mechanism: loss of function.

Allele frequency attached by ClinVar (database versions not stated): gnomAD exomes 0.00003 and 0.00012; TOPMed 0.00006; gnomAD 0.00004.
gnomAD v4.1: 148 of 1,370,496 alleles (0.011%); highest among the groups gnomAD compares: Non-Finnish European, 0.014%; no homozygotes.

Submissions (3):

St. Jude Molecular Pathology, St. Jude Children's Research Hospital
Classification: Uncertain significance for Familial adenomatous polyposis 1. Last evaluated: 2026-10-01. Review status: criteria provided, single submitter. Criteria: St. Jude Assertion Criteria 2020. Collection method: clinical testing. Allele origin: germline.
Comment: The APC c.67G>A p.(Gly23Arg) missense change has a maxi mum subpopulation frequency of 0.008% in gnomAD v2.1.1. The in silico tool REVEL predicts a benign effect on protein function, but to our knowledge this prediction has not been confirmed by functional studies. To our knowledge, this variant has not been reported in the literature in individuals with APC-related disease. In summary, the evidence currently available is insufficient to determine the clinical significance of this variant. It has therefore been classified as of uncertain significance.

PreventionGenetics, part of Exact Sciences
Classification: Uncertain significance for APC-related condition. Last evaluated: 2026-05-01. Review status: criteria provided, single submitter. Criteria: ACMG Guidelines, 2015. Collection method: clinical testing. Allele origin: germline.
Comment: The APC c.67G>A variant is predicted to result in the amino acid substitution p.Gly23Arg. This variant is also known as c.67G>A (p.Gly23Arg) under the promoter 1B transcript (NM_001127511.2). To our knowledge, this variant has not been reported in the literature. This variant is reported in 0.0075% of alleles in individuals of European (Non-Finnish) descent in gnomAD and is interpreted as uncertain in ClinVar (Variation ID: 469795). At this time, the clinical significance of this variant is uncertain due to the absence of conclusive functional and genetic evidence.

Labcorp Genetics (formerly Invitae), Labcorp
Classification: Uncertain significance for Familial adenomatous polyposis 1. Last evaluated: 2025-01-22. Review status: criteria provided, single submitter. Criteria: Invitae Variant Classification Sherloc (09022015). Collection method: clinical testing. Allele origin: germline.
Comment: This variant occurs in a non-coding region of the APC gene. It does not change the encoded amino acid sequence of the APC protein. This variant is present in population databases (rs762748481, gnomAD 0.008%). This variant has not been reported in the literature in individuals affected with APC-related conditions. ClinVar contains an entry for this variant (Variation ID: 469795). Experimental studies and prediction algorithms are not available or were not evaluated, and the functional significance of this variant is currently unknown. In summary, the available evidence is currently insufficient to determine the role of this variant in disease. Therefore, it has been classified as a Variant of Uncertain Significance.